The following is an entry in ClinVar:

ClinVar aggregate classification (germline): Pathogenic (1 of 4 stars; one submission).

Conditions:
Peutz-Jeghers syndrome (PJS). Also called: POLYPOSIS, HAMARTOMATOUS INTESTINAL; POLYPS-AND-SPOTS SYNDROME; Peutz-Jeghers polyposis; Periorificial lentiginosis syndrome. Identifiers: Orphanet 2869, MedGen C0031269, MeSH D010580, MONDO:0008280, OMIM 175200.

Submission:

Labcorp Genetics (formerly Invitae), Labcorp
Classification: Pathogenic for Peutz-Jeghers syndrome. Last evaluated: 2021-09-29. Review status: criteria provided, single submitter. Criteria: Invitae Variant Classification Sherloc (09022015). Collection method: clinical testing. Allele origin: germline.
Comment: For these reasons, this variant has been classified as Pathogenic. Loss-of-function variants in STK11 are known to be pathogenic (PMID: 15188174, 16287113). This variant has not been reported in the literature in individuals with STK11-related conditions. This variant is not present in population databases (ExAC no frequency). This sequence change creates a premature translational stop signal (p.Gln214Phefs*47) in the STK11 gene. It is expected to result in an absent or disrupted protein product.

Literature cited by the submitters: PubMed 15188174; PubMed 16287113.

NM_000455.5(STK11):c.640_653del (p.Gln214fs)

Gene: STK11 (serine/threonine kinase 11; plus strand). Cytogenetic location: 19p13.3.
Variant type: Deletion.
Coding change: c.640_653del on transcript NM_000455.5 (MANE Select); coding-DNA positions 640 to 653, 14 bases deleted (CAGGGCTCCCCGGC).
Protein change: p.Gln214fs; shifts the reading frame from glutamine 214.
Molecular consequence: frameshift variant.
Genome position (GRCh38, 1-based): chr19:1,220,623-1,220,636, CAGGGCTCCCCGGC deleted; deleting any 14 consecutive bases within chr19:1,220,621-1,220,636 gives the same sequence; the c. name uses the placement nearest the transcript's 3' end. VCF-style (leftmost placement, unchanged base first): chr19-1220620-AGCCAGGGCTCCCCG-A. GRCh37 (hg19) VCF-style: chr19-1220619-AGCCAGGGCTCCCCG-A.
Other names: short protein forms Q214fs.
Identifiers: ClinVar variation 1073558 (VCV001073558.7), dbSNP rs2145425162, ClinGen allele CA2499225348.